The following is an entry in ClinVar:

ClinVar aggregate classification (germline): Uncertain significance (1 of 4 stars; one submission).

Conditions:
Hereditary cancer-predisposing syndrome. Also called: Neoplastic Syndromes, Hereditary; Tumor predisposition; Hereditary neoplastic syndrome; Hereditary Cancer Syndrome. Identifiers: Orphanet 140162, MedGen C0027672, MeSH D009386, MONDO:0015356.

Submission:

Ambry Genetics
Classification: Uncertain significance for Hereditary cancer-predisposing syndrome. Last evaluated: 2026-07-07. Review status: criteria provided, single submitter. Criteria: Ambry Variant Classification Scheme 2023. Collection method: clinical testing. Allele origin: germline.
Comment: The p.A8S variant (also known as c.22G>T), located in coding exon 1 of the PRKAR1A gene, results from a G to T substitution at nucleotide position 22. The alanine at codon 8 is replaced by serine, an amino acid with similar properties. This amino acid position is conserved. In addition, this alteration is predicted to be tolerated by in silico analysis. Based on the available evidence, the clinical significance of this variant remains unclear.

NM_002734.5(PRKAR1A):c.22G>T (p.Ala8Ser)

Gene: PRKAR1A (protein kinase cAMP-dependent type I regulatory subunit alpha; plus strand). Cytogenetic location: 17q24.2.
Variant type: single nucleotide variant.
Coding change: c.22G>T on transcript NM_002734.5 (MANE Select); coding-DNA position 22, G replaced by T.
Protein change: p.Ala8Ser; replaces alanine 8 with serine.
Molecular consequence: missense variant.
Genome position (GRCh38, 1-based): chr17:68,515,421, G>T. VCF-style: chr17-68515421-G-T. GRCh37 (hg19) VCF-style: chr17-66511562-G-T.
Other names: c.22G>T, p.Ala8Ser (NM_212472.2, NM_001276289.2, NM_001276290.1 and 4 more transcripts); short protein forms A8S.
Identifiers: ClinVar variation 5027322 (VCV005027322.1).